The following is an entry in ClinVar:

ClinVar aggregate classification (germline): Uncertain significance (1 of 4 stars; one submission).

gnomAD v4.1: 1 of 1,422,552 alleles (0.00007%); no homozygotes.

Submission:

Labcorp Genetics (formerly Invitae), Labcorp
Classification: Uncertain significance. Last evaluated: 2022-05-25. Review status: criteria provided, single submitter. Criteria: Invitae Variant Classification Sherloc (09022015). Collection method: clinical testing. Allele origin: germline.
Comment: This sequence change replaces tryptophan, which is neutral and slightly polar, with cysteine, which is neutral and slightly polar, at codon 439 of the ABCA4 protein (p.Trp439Cys). This variant is not present in population databases (gnomAD no frequency). This variant has not been reported in the literature in individuals affected with ABCA4-related conditions. Advanced modeling of protein sequence and biophysical properties (such as structural, functional, and spatial information, amino acid conservation, physicochemical variation, residue mobility, and thermodynamic stability) performed at Invitae indicates that this missense variant is expected to disrupt ABCA4 protein function. In summary, the available evidence is currently insufficient to determine the role of this variant in disease. Therefore, it has been classified as a Variant of Uncertain Significance.

NM_000350.3(ABCA4):c.1317G>T (p.Trp439Cys)

Gene: ABCA4 (ATP binding cassette subfamily A member 4; minus strand). Cytogenetic location: 1p22.1.
Variant type: single nucleotide variant.
Coding change: c.1317G>T on transcript NM_000350.3 (MANE Select); coding-DNA position 1317, G replaced by T.
Protein change: p.Trp439Cys; replaces tryptophan 439 with cysteine.
Molecular consequence: missense variant.
Genome position (GRCh38, 1-based): chr1:94,078,629, C>A on the plus strand (G>T on the coding strand, the complement: ABCA4 is on the minus strand). VCF-style: chr1-94078629-C-A. GRCh37 (hg19) VCF-style: chr1-94544185-C-A.
Other names: c.1317G>T, p.Trp439Cys (NM_001425324.1); short protein forms W439C.
Identifiers: ClinVar variation 1928538 (VCV001928538.5), dbSNP rs61752391, ClinGen allele CA341282334.